The following is an entry in ClinVar:

NM_182961.4(SYNE1):c.26285C>T (p.Ala8762Val)

Genes: ESR1 (estrogen receptor 1; plus strand), SYNE1 (spectrin repeat containing nuclear envelope protein 1; minus strand). Cytogenetic location: 6q25.2.
Variant type: single nucleotide variant.
Coding change: c.26285C>T on transcript NM_182961.4 (MANE Select); coding-DNA position 26285, C replaced by T.
Protein change: p.Ala8762Val; replaces alanine 8762 with valine.
Molecular consequence: missense variant. On other transcripts: 3 prime UTR variant (1), intron variant (1).
Genome position (GRCh38, 1-based): chr6:152,122,545, G>A on the plus strand (C>T on the coding strand, the complement: SYNE1 is on the minus strand). VCF-style: chr6-152122545-G-A. GRCh37 (hg19) VCF-style: chr6-152443680-G-A.
Other names: c.*96C>T (NM_001347701.2); c.2819C>T, p.Ala940Val (NM_001347702.2); c.26141C>T, p.Ala8714Val (NM_033071.5); c.851-2721G>A (NM_001328100.2); short protein forms A940V, A8714V, A8762V.
Identifiers: ClinVar variation 1440876 (VCV001440876.9), dbSNP rs983040762, ClinGen allele CA150189518.
Genomic context (GRCh38, chr6:152,122,545, plus strand): 5'-CGGGCAAAGTTGTTGGAGAGGGCACAGCTGTAGTCTTCCTCTGACATTGGTACAAGGCAG[G>A]CAAGCCCGATGAGGAGGAGCAGGAGAAGCTGAAGGGGAAGAGCTGCTCGGAGGACTCTGA-3'
Protein context (NP_892006.3, residues 8752-8772): QLLLLLLIGL[Ala8762Val]CLVPMSEEDY

ClinVar aggregate classification (germline): Uncertain significance (1 of 4 stars; one submission).

Conditions:
Emery-Dreifuss muscular dystrophy 4, autosomal dominant (EDMD4). Also called: EMERY-DREIFUSS MUSCULAR DYSTROPHY 4 WITH VARIABLE FEATURES. Identifiers: Orphanet 261, MedGen C2751807, MONDO:0013071, OMIM 612998.
Autosomal recessive ataxia, Beauce type. Also called: Spinocerebellar ataxia, autosomal recessive 8; ATAXIA, RECESSIVE, OF BEAUCE; SYNE1-Related Autosomal Recessive Cerebellar Ataxia; SYNE1 Deficiency. Identifiers: Orphanet 88644, MedGen C1853116, MONDO:0012549, OMIM 610743.

Submission:

Labcorp Genetics (formerly Invitae), Labcorp
Classification: Uncertain significance for Emery-Dreifuss muscular dystrophy 4, autosomal dominant; Autosomal recessive ataxia, Beauce type. Last evaluated: 2022-07-24. Review status: criteria provided, single submitter. Criteria: Invitae Variant Classification Sherloc (09022015). Collection method: clinical testing. Allele origin: germline.
Comment: This variant has not been reported in the literature in individuals affected with SYNE1-related conditions. In summary, the available evidence is currently insufficient to determine the role of this variant in disease. Therefore, it has been classified as a Variant of Uncertain Significance. Algorithms developed to predict the effect of missense changes on protein structure and function are either unavailable or do not agree on the potential impact of this missense change (SIFT: "Deleterious"; PolyPhen-2: "Possibly Damaging"; Align-GVGD: "Class C0"). ClinVar contains an entry for this variant (Variation ID: 1440876). This variant is not present in population databases (gnomAD no frequency). This sequence change replaces alanine, which is neutral and non-polar, with valine, which is neutral and non-polar, at codon 8714 of the SYNE1 protein (p.Ala8714Val).